The following is an entry in ClinVar:

NM_172245.4(CSF2RA):c.561G>A (p.Thr187=)

Gene: CSF2RA (colony stimulating factor 2 receptor subunit alpha; plus strand). Cytogenetic location: Xp22.33.
Variant type: single nucleotide variant.
Coding change: c.561G>A on transcript NM_172245.4 (MANE Select); coding-DNA position 561, G replaced by A.
Protein change: p.Thr187=; no amino-acid change (threonine 187 retained).
Molecular consequence: synonymous variant. On other transcripts: non-coding transcript variant (1).
Genome position (GRCh38, 1-based): chrX:1,290,424, G>A. VCF-style: chrX-1290424-G-A. GRCh37 (hg19) VCF-style: chrX-1409317-G-A.
Other names: c.561G>A, p.Thr187= (NM_001161529.2, NM_001161530.2, NM_001161531.2 and 20 more transcripts); c.162G>A, p.Thr54= (NM_001161532.2).
Identifiers: ClinVar variation 178716 (VCV000178716.19), dbSNP rs73618036, ClinGen allele CA182858.

ClinVar aggregate classification (germline): Benign. Review status: criteria provided, multiple submitters, no conflicts (2 of 4 stars). 5 submissions from 5 submitters: Benign (4). 1 of the submissions does not count toward it. Last evaluated 2026-01-28.

Conditions:
CSF2RA-related disorder. Also called: CSF2RA-related condition.
Surfactant metabolism dysfunction, pulmonary, 4 (SMDP4). Also called: CSF2RA DEFICIENCY; PAP DUE TO CSF2RA DEFICIENCY; PULMONARY ALVEOLAR PROTEINOSIS, CONGENITAL, 4. Identifiers: Orphanet 264675, MedGen C2677877, MONDO:0010424, OMIM 300770.

Allele frequency attached by ClinVar (database versions not stated): gnomAD exomes 0.00268 and 0.00666; ExAC 0.00829; gnomAD 0.02701 and 0.02880; 1000 Genomes Project 0.02755; ESP Exome Variant Server 0.03016; 1000 Genomes Project 30x 0.02955; TOPMed 0.03004.
gnomAD v4.1: 8,188 of 1,613,688 alleles (0.51%); highest among the groups gnomAD compares: African/African-American, 9.3%; 318 homozygotes.

Submissions (5):

Labcorp Genetics (formerly Invitae), Labcorp
Classification: Benign for Surfactant metabolism dysfunction, pulmonary, 4. Last evaluated: 2026-01-28. Review status: criteria provided, single submitter. Criteria: Invitae Variant Classification Sherloc (09022015). Collection method: clinical testing. Allele origin: germline.

GeneDx
Classification: Benign. Last evaluated: 2019-12-18. Review status: criteria provided, single submitter. Criteria: GeneDx Variant Classification Process June 2021. Collection method: clinical testing. Allele origin: germline. Affected: yes.

Laboratory for Molecular Medicine, Mass General Brigham Personalized Medicine
Classification: Benign. Last evaluated: 2013-02-21. Review status: criteria provided, single submitter. Criteria: LMM Criteria. Collection method: clinical testing. Allele origin: germline. Observed: 5 variant alleles.
Comment: Thr187Thr in exon 8 of CSF2RA: This variant is not expected to have clinical sig nificance because it does not alter an amino acid residue and is not located wit hin the splice consensus sequence. It has been identified in 8.9% (390/4406) of African American chromosomes from a broad population by the NHLBI Exome Sequenci ng Project (dbSNP rs149374461).

Breakthrough Genomics
Classification: Benign. Review status: criteria provided, single submitter. Criteria: ACMG Guidelines, 2015. Collection method: not provided. Allele origin: germline. Inheritance: Unknown mechanism. Affected: yes.

PreventionGenetics, part of Exact Sciences
Classification: Benign for CSF2RA-related condition. Last evaluated: 2019-06-13. Review status: no assertion criteria provided. Collection method: clinical testing. Allele origin: germline. Not counted in ClinVar's aggregate classification.
Comment: This variant is classified as benign based on ACMG/AMP sequence variant interpretation guidelines (Richards et al. 2015 PMID: 25741868, with internal and published modifications).